The following is an entry in ClinVar:

ClinVar aggregate classification (germline): Benign (1 of 4 stars; one submission).

Conditions:
Purine-nucleoside phosphorylase deficiency. Also called: Immunodeficiency due to purine nucleoside phosphorylase deficiency; NUCLEOSIDE PHOSPHORYLASE DEFICIENCY. Identifiers: Orphanet 760, MedGen C0268125, MONDO:0013171, OMIM 613179.

Allele frequency attached by ClinVar (database versions not stated): TOPMed 0.01416; 1000 Genomes Project 30x 0.01827; gnomAD 0.01373 and 0.01284; 1000 Genomes Project 0.01757.

Submission:

Illumina Laboratory Services, Illumina
Classification: Benign for Purine-nucleoside phosphorylase deficiency. Last evaluated: 2018-01-13. Review status: criteria provided, single submitter. Criteria: ICSL Variant Classification Criteria 13 December 2019. Collection method: clinical testing. Allele origin: germline.
Comment: This variant was observed in the ICSL laboratory as part of a predisposition screen in an ostensibly healthy population. It had not been previously curated by ICSL or reported in the Human Gene Mutation Database (HGMD: prior to June 1st, 2018), and was therefore a candidate for classification through an automated scoring system. Utilizing variant allele frequency, disease prevalence and penetrance estimates, and inheritance mode, an automated score was calculated to assess if this variant is too frequent to cause the disease. Based on the score and internal cut-off values, a variant classified as benign is not then subjected to further curation. The score for this variant resulted in a classification of benign for this disease.

NM_000270.3(PNP):c.*1198T>C

Gene: PNP (purine nucleoside phosphorylase; plus strand). Cytogenetic location: 14q11.2.
Variant type: single nucleotide variant.
Coding change: c.*1198T>C on transcript NM_000270.3; 1198 bases downstream of the stop codon, T replaced by C.
Genome position (GRCh38, 1-based): chr14:20,477,799, T>C. VCF-style: chr14-20477799-T-C. GRCh37 (hg19) VCF-style: chr14-20945958-T-C.
Identifiers: ClinVar variation 312752 (VCV000312752.7), dbSNP rs78097234, ClinGen allele CA10639879.